The following is an entry in ClinVar:

ClinVar aggregate classification (germline): Conflicting classifications of pathogenicity. Review status: criteria provided, conflicting classifications (1 of 4 stars). 4 submissions from 4 submitters: Uncertain significance (1); Likely benign (2). 1 of the submissions does not count toward it. Last evaluated 2025-04-16.

Conditions:
Deficiency of 3-hydroxyacyl-CoA dehydrogenase. Also called: HADH DEFICIENCY; 3-hydroxyacyl-CoA dehydrogenase deficiency. Identifiers: Orphanet 309127, Orphanet 71212, MedGen C1291230, MONDO:0017715, OMIM 231530.
HADH-related disorder. Also called: HADH-related condition.

Allele frequency attached by ClinVar (database versions not stated): ESP Exome Variant Server 0.00023.
gnomAD v4.1: 37 of 1,611,384 alleles (0.0023%); highest among the groups gnomAD compares: African/African-American, 0.045%; 1 homozygote.

Submissions (4):

GeneDx
Classification: Uncertain significance. Last evaluated: 2025-04-16. Review status: criteria provided, single submitter. Criteria: GeneDx Variant Classification Process June 2021. Collection method: clinical testing. Allele origin: germline. Affected: yes.
Comment: In silico analysis indicates that this variant does not alter splicing; Has not been previously published as pathogenic or benign to our knowledge

Labcorp Genetics (formerly Invitae), Labcorp
Classification: Likely benign for Deficiency of 3-hydroxyacyl-CoA dehydrogenase. Last evaluated: 2025-04-10. Review status: criteria provided, single submitter. Criteria: Invitae Variant Classification Sherloc (09022015). Collection method: clinical testing. Allele origin: germline.

Breakthrough Genomics
Classification: Likely benign. Review status: criteria provided, single submitter. Criteria: ACMG Guidelines, 2015. Collection method: not provided. Allele origin: germline. Inheritance: Autosomal recessive inheritance. Affected: yes.

PreventionGenetics, part of Exact Sciences
Classification: Likely benign for HADH-related condition. Last evaluated: 2021-06-15. Review status: no assertion criteria provided. Collection method: clinical testing. Allele origin: germline. Not counted in ClinVar's aggregate classification.
Comment: This variant is classified as likely benign based on ACMG/AMP sequence variant interpretation guidelines (Richards et al. 2015 PMID: 25741868, with internal and published modifications).

NM_005327.7(HADH):c.237G>A (p.Lys79=)

Gene: HADH (hydroxyacyl-CoA dehydrogenase; plus strand). Cytogenetic location: 4q25.
Variant type: single nucleotide variant.
Coding change: c.237G>A on transcript NM_005327.7 (MANE Select); coding-DNA position 237, G replaced by A.
Protein change: p.Lys79=; no amino-acid change (lysine 79 retained).
Molecular consequence: synonymous variant.
Genome position (GRCh38, 1-based): chr4:108,009,863, G>A. VCF-style: chr4-108009863-G-A. GRCh37 (hg19) VCF-style: chr4-108931019-G-A.
Other names: c.237G>A (NM_005327.4, NM_001184705.2); c.237G>A, p.Lys79= (NM_001184705.4); c.249G>A, p.Lys83= (NM_001331027.2).
Identifiers: ClinVar variation 1130145 (VCV001130145.11), dbSNP rs150930917, ClinGen allele CA3037389.